The following is an entry in ClinVar:

NM_020361.5(CPA6):c.229T>A (p.Ser77Thr)

Gene: CPA6 (carboxypeptidase A6; minus strand). Cytogenetic location: 8q13.2.
Variant type: single nucleotide variant.
Coding change: c.229T>A on transcript NM_020361.5 (MANE Select); coding-DNA position 229, T replaced by A.
Protein change: p.Ser77Thr; replaces serine 77 with threonine.
Molecular consequence: missense variant.
Genome position (GRCh38, 1-based): chr8:67,518,011, A>T on the plus strand (T>A on the coding strand, the complement: CPA6 is on the minus strand). VCF-style: chr8-67518011-A-T. GRCh37 (hg19) VCF-style: chr8-68430246-A-T.
Other names: short protein forms S77T.
Identifiers: ClinVar variation 645475 (VCV000645475.8), dbSNP rs780171379, ClinGen allele CA371262343.
Genomic context (GRCh38, chr8:67,518,011, plus strand): 5'-AGGCTAACAGGGCTCGGGAACCATTTTGGGGGATATGGACATCAGTAACTGTTCCCTCTG[A>T]TACATAGGAGATACTGCTGGGCTGCCACAGGTCCACCTGTAGTGCAGGAACCAACCTATA-3'
Protein context (NP_065094.3, residues 67-87): LWQPSSISYV[Ser77Thr]EGTVTDVHIP

ClinVar aggregate classification (germline): Uncertain significance (1 of 4 stars; one submission).

Conditions:
Febrile seizures, familial, 11 (FEB11). Also called: CONVULSIONS, FAMILIAL FEBRILE, 11. Identifiers: MedGen C3280734, MONDO:0024566, OMIM 614418.

Allele frequency attached by ClinVar (database versions not stated): TOPMed 0.00001; gnomAD 0.00005.
gnomAD v4.1: 12 of 1,611,912 alleles (0.00074%); highest among the groups gnomAD compares: Admixed American, 0.02%; no homozygotes.

Submission:

Labcorp Genetics (formerly Invitae), Labcorp
Classification: Uncertain significance for Febrile seizures, familial, 11. Last evaluated: 2022-08-23. Review status: criteria provided, single submitter. Criteria: Invitae Variant Classification Sherloc (09022015). Collection method: clinical testing. Allele origin: germline.
Comment: In summary, the available evidence is currently insufficient to determine the role of this variant in disease. Therefore, it has been classified as a Variant of Uncertain Significance. Algorithms developed to predict the effect of missense changes on protein structure and function output the following: SIFT: "Tolerated"; PolyPhen-2: "Benign"; Align-GVGD: "Class C0". The threonine amino acid residue is found in multiple mammalian species, which suggests that this missense change does not adversely affect protein function. ClinVar contains an entry for this variant (Variation ID: 645475). This variant has not been reported in the literature in individuals affected with CPA6-related conditions. This variant is present in population databases (no rsID available, gnomAD 0.006%). This sequence change replaces serine, which is neutral and polar, with threonine, which is neutral and polar, at codon 77 of the CPA6 protein (p.Ser77Thr).